The following is an entry in ClinVar:

ClinVar aggregate classification (germline): Uncertain significance (1 of 4 stars; one submission).

Conditions:
Inborn genetic diseases. Identifiers: MedGen C0950123, MeSH D030342.

gnomAD v4.1: 3 of 1,612,610 alleles (0.00019%); highest among the groups gnomAD compares: Non-Finnish European, 0.00025%; no homozygotes.

Submission:

Ambry Genetics
Classification: Uncertain significance for Inborn genetic diseases. Last evaluated: 2026-02-23. Review status: criteria provided, single submitter. Criteria: Ambry Variant Classification Scheme 2023. Collection method: clinical testing. Allele origin: germline.
Comment: The p.S346F variant (also known as c.1037C>T), located in coding exon 6 of the G6PC3 gene, results from a C to T substitution at nucleotide position 1037. The serine at codon 346 is replaced by phenylalanine, an amino acid with highly dissimilar properties. This amino acid position is conserved. In addition, this alteration is predicted to be tolerated by in silico analysis. Based on the available evidence, the clinical significance of this variant remains unclear.

NM_138387.4(G6PC3):c.1037C>T (p.Ser346Phe)

Gene: G6PC3 (glucose-6-phosphatase catalytic subunit 3; plus strand). Cytogenetic location: 17q21.31.
Variant type: single nucleotide variant.
Coding change: c.1037C>T on transcript NM_138387.4 (MANE Select); coding-DNA position 1037, C replaced by T.
Protein change: p.Ser346Phe; replaces serine 346 with phenylalanine.
Molecular consequence: missense variant. On other transcripts: 3 prime UTR variant (1).
Genome position (GRCh38, 1-based): chr17:44,076,039, C>T. VCF-style: chr17-44076039-C-T. GRCh37 (hg19) VCF-style: chr17-42153407-C-T.
Other names: c.692C>T, p.Ser231Phe (NM_001384166.1, NM_001384167.1, NM_001384168.1 and 1 more transcripts); c.*330C>T (NM_001319945.2); short protein forms S346F, S231F.
Identifiers: ClinVar variation 4827619 (VCV004827619.1).
Genomic context (GRCh38, chr17:44,076,039, plus strand): 5'-CCCTCGTGCCCTGGGCAGTGCACATGTTCAGTGCCCAGGAAGCACCGCCCATCCACTCTT[C>T]CTGACTTCTTGTGTGCCTCCCTTTCCTTTCCCTCCCACAAAGCCAACACTCTGTGACCAC-3'
Protein context (NP_612396.1, residues 336-346): SAQEAPPIHS[Ser346Phe]